The following is an entry in ClinVar:

ClinVar aggregate classification (germline): Benign/Likely benign. Review status: criteria provided, multiple submitters, no conflicts (2 of 4 stars). 6 submissions from 6 submitters: Benign (4); Likely benign (2). Last evaluated 2026-02-01.

Conditions:
Imerslund-Grasbeck syndrome. Also called: Megaloblastic anemia due to inborn errors of metabolism; Imerslund-Gräsbeck syndrome; ENTEROCYTE COBALAMIN MALABSORPTION; ENTEROCYTE INTRINSIC FACTOR RECEPTOR, DEFECT OF; PERNICIOUS ANEMIA, JUVENILE, DUE TO SELECTIVE INTESTINAL MALABSORPTION OF VITAMIN B12, WITH PROTEINURIA. Identifiers: Orphanet 35858, MedGen C4551825, MONDO:0009853.
Imerslund-Grasbeck syndrome type 1 (IGS1). Also called: Megaloblastic anemia 1, Finnish type; MEGALOBLASTIC ANEMIA, 1; Imerslund-Gräsbeck syndrome 1. Identifiers: MedGen C4016819, MONDO:0100156, OMIM 261100.

Allele frequency attached by ClinVar (database versions not stated): ESP Exome Variant Server 0.01715; gnomAD exomes 0.01509; ExAC 0.01556; gnomAD 0.01626 and 0.01562; 1000 Genomes Project 0.00599; TOPMed 0.01559; 1000 Genomes Project 30x 0.00656.
gnomAD v4.1: 31,351 of 1,612,224 alleles (1.9%); highest among the groups gnomAD compares: Non-Finnish European, 2.3%; 381 homozygotes.

Submissions (6):

Labcorp Genetics (formerly Invitae), Labcorp
Classification: Benign for Imerslund-Grasbeck syndrome. Last evaluated: 2026-02-01. Review status: criteria provided, single submitter. Criteria: Invitae Variant Classification Sherloc (09022015). Collection method: clinical testing. Allele origin: germline.

ARUP Laboratories, Molecular Genetics and Genomics, ARUP Laboratories
Classification: Benign. Last evaluated: 2024-10-18. Review status: criteria provided, single submitter. Criteria: ARUP Molecular Germline Variant Investigation Process 2024. Collection method: clinical testing. Allele origin: germline.

Mayo Clinic Laboratories, Mayo Clinic
Classification: Benign. Last evaluated: 2023-08-14. Review status: criteria provided, single submitter. Criteria: ACMG Guidelines, 2015. Collection method: clinical testing. Allele origin: germline. Observed: 10 variant alleles.
Comment: BS1, BS2

GeneDx
Classification: Likely benign. Last evaluated: 2021-02-01. Review status: criteria provided, single submitter. Criteria: GeneDx Variant Classification Process June 2021. Collection method: clinical testing. Allele origin: germline. Affected: yes.

Illumina Laboratory Services, Illumina
Classification: Benign for Imerslund-Grasbeck syndrome type 1. Last evaluated: 2018-01-12. Review status: criteria provided, single submitter. Criteria: ICSL Variant Classification Criteria 13 December 2019. Collection method: clinical testing. Allele origin: germline.
Comment: This variant was observed in the ICSL laboratory as part of a predisposition screen in an ostensibly healthy population. It had not been previously curated by ICSL or reported in the Human Gene Mutation Database (HGMD: prior to June 1st, 2018), and was therefore a candidate for classification through an automated scoring system. Utilizing variant allele frequency, disease prevalence and penetrance estimates, and inheritance mode, an automated score was calculated to assess if this variant is too frequent to cause the disease. Based on the score and internal cut-off values, a variant classified as benign is not then subjected to further curation. The score for this variant resulted in a classification of benign for this disease.

Breakthrough Genomics
Classification: Likely benign. Review status: criteria provided, single submitter. Criteria: ACMG Guidelines, 2015. Collection method: not provided. Allele origin: germline. Inheritance: Autosomal recessive inheritance. Affected: yes.

Literature cited by the submitters: PubMed 30900415 (cited by Mayo Clinic Laboratories, Mayo Clinic).

NM_001081.4(CUBN):c.8902G>C (p.Glu2968Gln)

Gene: CUBN (cubilin; minus strand). Cytogenetic location: 10p13.
Variant type: single nucleotide variant.
Coding change: c.8902G>C on transcript NM_001081.4 (MANE Select); coding-DNA position 8902, G replaced by C.
Protein change: p.Glu2968Gln; replaces glutamic acid 2968 with glutamine.
Molecular consequence: missense variant.
Genome position (GRCh38, 1-based): chr10:16,888,420, C>G on the plus strand (G>C on the coding strand, the complement: CUBN is on the minus strand). VCF-style: chr10-16888420-C-G. GRCh37 (hg19) VCF-style: chr10-16930419-C-G.
Other names: short protein forms E2968Q.
Identifiers: ClinVar variation 299392 (VCV000299392.29), dbSNP rs45569534, ClinGen allele CA5422882.
Genomic context (GRCh38, chr10:16,888,420, plus strand): 5'-AAATATACAATTTTTGTTTGTCAATTAAACGTAATTTTTTTAAAAGAATAAACTTACCTT[C>G]TAAGTGGAAGGACACAAAAGTCAAGAGGACCACTGACAGAGGATTAGCCTCTATGACATA-3'
Protein context (NP_001072.2, residues 2958-2978): VLLTFVSFHL[Glu2968Gln]ARSAVTGSCV